The following is an entry in ClinVar:

ClinVar aggregate classification (germline): Uncertain significance (1 of 4 stars; one submission).

Conditions:
Catecholaminergic polymorphic ventricular tachycardia 1. Also called: RYR2-Related Catecholaminergic Polymorphic Ventricular Tachycardia; VENTRICULAR TACHYCARDIA, CATECHOLAMINERGIC POLYMORPHIC, 1, WITH OR WITHOUT ATRIAL DYSFUNCTION AND/OR DILATED CARDIOMYOPATHY; VENTRICULAR TACHYCARDIA, STRESS-INDUCED POLYMORPHIC 1. Identifiers: Orphanet 3286, MedGen C1631597, MONDO:0011484, OMIM 604772.

Allele frequency attached by ClinVar (database versions not stated): gnomAD exomes below 0.00001.
gnomAD v4.1: 1 of 1,613,792 alleles (0.000062%); highest among the groups gnomAD compares: Non-Finnish European, 0.000085%; no homozygotes.

Submission:

Labcorp Genetics (formerly Invitae), Labcorp
Classification: Uncertain significance for Catecholaminergic polymorphic ventricular tachycardia 1. Last evaluated: 2022-12-23. Review status: criteria provided, single submitter. Criteria: Invitae Variant Classification Sherloc (09022015). Collection method: clinical testing. Allele origin: germline.
Comment: Advanced modeling of protein sequence and biophysical properties (such as structural, functional, and spatial information, amino acid conservation, physicochemical variation, residue mobility, and thermodynamic stability) performed at Invitae indicates that this missense variant is not expected to disrupt RYR2 protein function. In summary, the available evidence is currently insufficient to determine the role of this variant in disease. Therefore, it has been classified as a Variant of Uncertain Significance. This variant has not been reported in the literature in individuals affected with RYR2-related conditions. This variant is not present in population databases (gnomAD no frequency). This sequence change replaces alanine, which is neutral and non-polar, with threonine, which is neutral and polar, at codon 1191 of the RYR2 protein (p.Ala1191Thr).

NM_001035.3(RYR2):c.3571G>A (p.Ala1191Thr)

Gene: RYR2 (ryanodine receptor 2; plus strand). Cytogenetic location: 1q43.
Variant type: single nucleotide variant.
Coding change: c.3571G>A on transcript NM_001035.3 (MANE Select); coding-DNA position 3571, G replaced by A.
Protein change: p.Ala1191Thr; replaces alanine 1191 with threonine.
Molecular consequence: missense variant.
Genome position (GRCh38, 1-based): chr1:237,569,292, G>A. VCF-style: chr1-237569292-G-A. GRCh37 (hg19) VCF-style: chr1-237732592-G-A.
Other names: short protein forms A1191T.
Identifiers: ClinVar variation 2897130 (VCV002897130.3), dbSNP rs2546448457, ClinGen allele CA345390758.